The following is an entry in ClinVar:

ClinVar aggregate classification (germline): Uncertain significance (1 of 4 stars; one submission).

Submission:

GeneDx
Classification: Uncertain significance. Last evaluated: 2023-02-18. Review status: criteria provided, single submitter. Criteria: GeneDx Variant Classification Process June 2021. Collection method: clinical testing. Allele origin: germline. Affected: yes.
Comment: Not observed at significant frequency in large population cohorts (gnomAD); In-frame deletion of 5 amino acids in a non-repeat region; In silico analysis supports that this variant does not alter protein structure/function; Has not been previously published as pathogenic or benign to our knowledge

NM_003108.4(SOX11):c.622_636del (p.Ser208_Gly212del)

Gene: SOX11 (SRY-box transcription factor 11; plus strand). Cytogenetic location: 2p25.2.
Variant type: Deletion.
Coding change: c.622_636del on transcript NM_003108.4 (MANE Select); coding-DNA positions 622 to 636, 15 bases deleted (TCGGGCGGCGGCGGC).
Protein change: p.Ser208_Gly212del.
Molecular consequence: inframe deletion.
Genome position (GRCh38, 1-based): chr2:5,693,343-5,693,357, TCGGGCGGCGGCGGC deleted; deleting any 15 consecutive bases within chr2:5,693,338-5,693,357 gives the same sequence; the c. name uses the placement nearest the transcript's 3' end. VCF-style (leftmost placement, unchanged base first): chr2-5693337-AGCGGCTCGGGCGGCG-A. GRCh37 (hg19) VCF-style: chr2-5833469-AGCGGCTCGGGCGGCG-A.
Identifiers: ClinVar variation 2576937 (VCV002576937.1), dbSNP rs2465087996, ClinGen allele CA2580612909.